The following is an entry in ClinVar:

ClinVar aggregate classification (germline): Uncertain significance. Review status: criteria provided, multiple submitters, no conflicts (2 of 4 stars). 2 submissions from 2 submitters: Uncertain significance (2). Last evaluated 2026-04-01.

Allele frequency attached by ClinVar (database versions not stated): ExAC 0.00003; gnomAD 0.00007 and 0.00008; TOPMed 0.00007; gnomAD exomes 0.00007 and 0.00004.
gnomAD v4.1: 74 of 1,612,204 alleles (0.0046%); highest among the groups gnomAD compares: Admixed American, 0.005%; no homozygotes.

Submissions (2):

GeneDx
Classification: Uncertain significance. Last evaluated: 2026-04-01. Review status: criteria provided, single submitter. Criteria: GeneDx Variant Classification Process June 2021. Collection method: clinical testing. Allele origin: germline.
Comment: In silico analysis supports that this missense variant has a deleterious effect on protein structure/function; Identified in a patient with bilateral sensorineural hearing loss and multiple other variants in published literature (PMID: 34515852); This variant is associated with the following publications: (PMID: 34515852)

Labcorp Genetics (formerly Invitae), Labcorp
Classification: Uncertain significance. Last evaluated: 2022-02-24. Review status: criteria provided, single submitter. Criteria: Invitae Variant Classification Sherloc (09022015). Collection method: clinical testing. Allele origin: germline.
Comment: This sequence change replaces lysine, which is basic and polar, with threonine, which is neutral and polar, at codon 1780 of the OTOGL protein (p.Lys1780Thr). This variant is present in population databases (rs779938881, gnomAD 0.1%). This variant has not been reported in the literature in individuals affected with OTOGL-related conditions. Algorithms developed to predict the effect of missense changes on protein structure and function (SIFT, PolyPhen-2, Align-GVGD) all suggest that this variant is likely to be tolerated. In summary, the available evidence is currently insufficient to determine the role of this variant in disease. Therefore, it has been classified as a Variant of Uncertain Significance.

NM_001378609.3(OTOGL):c.5366A>C (p.Lys1789Thr)

Gene: OTOGL (otogelin like; plus strand). Cytogenetic location: 12q21.31.
Variant type: single nucleotide variant.
Coding change: c.5366A>C on transcript NM_001378609.3 (MANE Select); coding-DNA position 5366, A replaced by C.
Protein change: p.Lys1789Thr; replaces lysine 1789 with threonine.
Molecular consequence: missense variant.
Genome position (GRCh38, 1-based): chr12:80,352,395, A>C. VCF-style: chr12-80352395-A-C. GRCh37 (hg19) VCF-style: chr12-80746175-A-C.
Other names: c.5231A>C, p.Lys1744Thr (NM_001368062.3); c.5366A>C, p.Lys1789Thr (NM_001378610.3, NM_173591.7); c.5339A>C (NM_173591.3); short protein forms K1744T, K1789T.
Identifiers: ClinVar variation 1489375 (VCV001489375.4), dbSNP rs779938881, ClinGen allele CA6701683.